The following is an entry in ClinVar:

ClinVar aggregate classification (germline): Uncertain significance (1 of 4 stars; one submission).

Conditions:
Episodic kinesigenic dyskinesia (EKD). Also called: Paroxysmal kinesigenic dyskinesia. Identifiers: Orphanet 98809, MedGen C1868682, MONDO:0044202.

Submission:

Labcorp Genetics (formerly Invitae), Labcorp
Classification: Uncertain significance for Episodic kinesigenic dyskinesia. Last evaluated: 2024-10-21. Review status: criteria provided, single submitter. Criteria: Invitae Variant Classification Sherloc (09022015). Collection method: clinical testing. Allele origin: germline.
Comment: This sequence change replaces glutamine, which is neutral and polar, with lysine, which is basic and polar, at codon 49 of the PRRT2 protein (p.Gln49Lys). This variant is not present in population databases (gnomAD no frequency). This variant has not been reported in the literature in individuals affected with PRRT2-related conditions. Invitae Evidence Modeling of protein sequence and biophysical properties (such as structural, functional, and spatial information, amino acid conservation, physicochemical variation, residue mobility, and thermodynamic stability) indicates that this missense variant is not expected to disrupt PRRT2 protein function with a negative predictive value of 95%. In summary, the available evidence is currently insufficient to determine the role of this variant in disease. Therefore, it has been classified as a Variant of Uncertain Significance.

NM_145239.3(PRRT2):c.145C>A (p.Gln49Lys)

Genes: MVP-DT (MVP divergent transcript; minus strand), PRRT2 (proline rich transmembrane protein 2; plus strand). Cytogenetic location: 16p11.2.
Variant type: single nucleotide variant.
Coding change: c.145C>A on transcript NM_145239.3 (MANE Select); coding-DNA position 145, C replaced by A.
Protein change: p.Gln49Lys; replaces glutamine 49 with lysine.
Molecular consequence: missense variant.
Genome position (GRCh38, 1-based): chr16:29,813,199, C>A. VCF-style: chr16-29813199-C-A. GRCh37 (hg19) VCF-style: chr16-29824520-C-A.
Other names: c.145C>A, p.Gln49Lys (NM_001256442.2, NM_001256443.2); short protein forms Q49K.
Identifiers: ClinVar variation 3649517 (VCV003649517.2).